The following is an entry in ClinVar:

ClinVar aggregate classification (germline): Likely benign (1 of 4 stars; one submission).

Submission:

CeGaT Center for Human Genetics Tuebingen
Classification: Likely benign. Last evaluated: 2025-11-01. Review status: criteria provided, single submitter. Criteria: CeGaT Center For Human Genetics Tuebingen Variant Classification Criteria Version 2. Collection method: clinical testing. Allele origin: germline. Affected: yes. Observed: 1 variant allele.
Comment: SCN8A: PM2:Supporting, BP4, BP7

NM_001330260.2(SCN8A):c.2577C>T (p.Pro859=)

Gene: SCN8A (sodium voltage-gated channel alpha subunit 8; plus strand). Cytogenetic location: 12q13.13.
Variant type: single nucleotide variant.
Coding change: c.2577C>T on transcript NM_001330260.2 (MANE Select); coding-DNA position 2577, C replaced by T.
Protein change: p.Pro859=; no amino-acid change (proline 859 retained).
Molecular consequence: synonymous variant.
Genome position (GRCh38, 1-based): chr12:51,765,703, C>T. VCF-style: chr12-51765703-C-T. GRCh37 (hg19) VCF-style: chr12-52159487-C-T.
Other names: c.2577C>T, p.Pro859= (NM_001177984.3, NM_001369788.1, NM_014191.4).
Identifiers: ClinVar variation 4535327 (VCV004535327.6).